The following is an entry in ClinVar:

NM_025215.6(PUS1):c.1215G>A (p.Thr405=)

Gene: PUS1 (pseudouridine synthase 1; plus strand). Cytogenetic location: 12q24.33.
Variant type: single nucleotide variant.
Coding change: c.1215G>A on transcript NM_025215.6 (MANE Select); coding-DNA position 1215, G replaced by A.
Protein change: p.Thr405=; no amino-acid change (threonine 405 retained).
Molecular consequence: synonymous variant.
Genome position (GRCh38, 1-based): chr12:131,941,962, G>A. VCF-style: chr12-131941962-G-A. GRCh37 (hg19) VCF-style: chr12-132426507-G-A.
Other names: c.1131G>A, p.Thr377= (NM_001002019.3, NM_001002020.3); c.1215G>A (NM_025215.5).
Identifiers: ClinVar variation 2920565 (VCV002920565.4), dbSNP rs766395243, ClinGen allele CA6884352.

ClinVar aggregate classification (germline): Likely benign. Review status: criteria provided, multiple submitters, no conflicts (2 of 4 stars). 2 submissions from 2 submitters: Likely benign (2). Last evaluated 2025-08-21.

Conditions:
PUS1-related disorder. Also called: PUS1-related condition.

Allele frequency attached by ClinVar (database versions not stated): gnomAD 0.00001; gnomAD exomes 0.00001; ExAC 0.00003.
gnomAD v4.1: 18 of 1,612,516 alleles (0.0011%); highest among the groups gnomAD compares: East Asian, 0.013%; no homozygotes.

Submissions (2):

Labcorp Genetics (formerly Invitae), Labcorp
Classification: Likely benign. Last evaluated: 2025-08-21. Review status: criteria provided, single submitter. Criteria: Invitae Variant Classification Sherloc (09022015). Collection method: clinical testing. Allele origin: germline.

PreventionGenetics, part of Exact Sciences
Classification: Likely benign for PUS1-related condition. Last evaluated: 2025-07-30. Review status: criteria provided, single submitter. Criteria: ACMG Guidelines, 2015. Collection method: clinical testing. Allele origin: germline.
Comment: This variant is classified as likely benign based on ACMG/AMP sequence variant interpretation guidelines (Richards et al. 2015 PMID: 25741868, with internal and published modifications).